The following is an entry in ClinVar:

NM_015100.4(POGZ):c.162C>T (p.Pro54=)

Gene: POGZ (pogo transposable element derived with ZNF domain; minus strand). Cytogenetic location: 1q21.3.
Variant type: single nucleotide variant.
Coding change: c.162C>T on transcript NM_015100.4 (MANE Select); coding-DNA position 162, C replaced by T.
Protein change: p.Pro54=; no amino-acid change (proline 54 retained).
Molecular consequence: synonymous variant. On other transcripts: intron variant (2).
Genome position (GRCh38, 1-based): chr1:151,441,049, G>A on the plus strand (C>T on the coding strand, the complement: POGZ is on the minus strand). VCF-style: chr1-151441049-G-A. GRCh37 (hg19) VCF-style: chr1-151413525-G-A.
Other names: c.162C>T, p.Pro54= (NM_001194937.2, NM_145796.4); c.183C>T, p.Pro61= (NM_001410860.1); c.124+1032C>T (NM_001194938.2, NM_207171.2).
Identifiers: ClinVar variation 1776789 (VCV001776789.12), dbSNP rs374145381, ClinGen allele CA1091702.

ClinVar aggregate classification (germline): Benign/Likely benign. Review status: criteria provided, multiple submitters, no conflicts (2 of 4 stars). 2 submissions from 2 submitters: Benign (1); Likely benign (1). Last evaluated 2026-04-01.

Conditions:
Inborn genetic diseases. Identifiers: MedGen C0950123, MeSH D030342.

Allele frequency attached by ClinVar (database versions not stated): ESP Exome Variant Server 0.00008; TOPMed 0.00014; gnomAD 0.00015; ExAC 0.00025; gnomAD exomes 0.00028.
gnomAD v4.1: 438 of 1,613,896 alleles (0.027%); highest among the groups gnomAD compares: Admixed American, 0.042%; no homozygotes.

Submissions (2):

CeGaT Center for Human Genetics Tuebingen
Classification: Likely benign. Last evaluated: 2026-04-01. Review status: criteria provided, single submitter. Criteria: CeGaT Center For Human Genetics Tuebingen Variant Classification Criteria Version 2. Collection method: clinical testing. Allele origin: germline. Affected: yes. Observed: 2 variant alleles.
Comment: POGZ: BP4

Ambry Genetics
Classification: Benign for Inborn genetic diseases. Last evaluated: 2020-09-18. Review status: criteria provided, single submitter. Criteria: Ambry Variant Classification Scheme 2023. Collection method: clinical testing. Allele origin: germline.